The following is an entry in ClinVar:

ClinVar aggregate classification (germline): Uncertain significance (1 of 4 stars; one submission).

Conditions:
Arrhythmogenic cardiomyopathy with wooly hair and keratoderma. Also called: PALMOPLANTAR KERATODERMA WITH LEFT VENTRICULAR CARDIOMYOPATHY AND WOOLLY HAIR; Carvajal syndrome; Dilated cardiomyopathy with woolly hair and keratoderma; Arrhythmogenic cardiomyopathy with woolly hair and keratoderma. Identifiers: Orphanet 65282, MedGen C1854063, MONDO:0011581, OMIM 605676.

Submission:

All of Us Research Program, National Institutes of Health
Classification: Uncertain significance for Arrhythmogenic cardiomyopathy with wooly hair and keratoderma. Last evaluated: 2023-08-28. Review status: criteria provided, single submitter. Criteria: ACMG Guidelines, 2015. Collection method: clinical testing. Allele origin: germline. Inheritance: Autosomal dominant inheritance. Observed: 1 variant allele, 1 heterozygote.
Comment: This variant causes a G to T nucleotide substitution at the +5 position of intron 6 of the DSP gene. Splice site prediction tools predict that this variant may have a significant impact on RNA splicing. To our knowledge, RNA studies have not been reported for this variant. This variant has not been reported in individuals affected with cardiovascular disorders in the literature. This variant has not been identified in the general population by the Genome Aggregation Database (gnomAD). The available evidence is insufficient to determine the role of this variant in disease conclusively. Therefore, this variant is classified as a Variant of Uncertain Significance.

This study involves interpretation of variants in research participants for the purpose of population health screening. Participant phenotype was not available at the time of variant classification. Additional details can be found in publication PMID: 35346344, PMCID: PMC8962531

NM_004415.4(DSP):c.777+5G>T

Gene: DSP (desmoplakin; plus strand). Cytogenetic location: 6p24.3.
Variant type: single nucleotide variant.
Coding change: c.777+5G>T on transcript NM_004415.4 (MANE Select); 5 bases into the intron after coding-DNA position 777, G replaced by T.
Molecular consequence: intron variant.
Genome position (GRCh38, 1-based): chr6:7,563,791, G>T. VCF-style: chr6-7563791-G-T. GRCh37 (hg19) VCF-style: chr6-7564024-G-T.
Other names: c.777+5G>T (NM_001319034.2, NM_001008844.3, NM_001406591.1).
Identifiers: ClinVar variation 3073177 (VCV003073177.1), dbSNP rs756608550, ClinGen allele CA2825001477.